The following is an entry in ClinVar:

ClinVar aggregate classification (germline): Likely pathogenic (1 of 4 stars; one submission).

Conditions:
Familial thoracic aortic aneurysm and aortic dissection (TAAD). Also called: Thoracic aortic aneurysms and dissections. Identifiers: Orphanet 91387, MedGen C4707243, MONDO:0019625.
Marfan syndrome (MFS). Also called: MARFAN SYNDROME, TYPE I; Marfan syndrome type 1; Marfan's syndrome; Marfan syndrome, classic; FBN1-Related Marfan Syndrome. Identifiers: Orphanet 284963, Orphanet 558, MedGen C0024796, MONDO:0007947, OMIM 154700.

Submission:

Labcorp Genetics (formerly Invitae), Labcorp
Classification: Likely pathogenic for Marfan syndrome; Familial thoracic aortic aneurysm and aortic dissection. Last evaluated: 2022-05-22. Review status: criteria provided, single submitter. Criteria: Invitae Variant Classification Sherloc (09022015). Collection method: clinical testing. Allele origin: germline.
Comment: Advanced modeling of protein sequence and biophysical properties (such as structural, functional, and spatial information, amino acid conservation, physicochemical variation, residue mobility, and thermodynamic stability) performed at Invitae indicates that this missense variant is expected to disrupt FBN1 protein function. In summary, the currently available evidence indicates that the variant is pathogenic, but additional data are needed to prove that conclusively. Therefore, this variant has been classified as Likely Pathogenic. This missense change has been observed in individual(s) with clinical features of Marfan syndrome (PMID: 29357934; Invitae). This sequence change replaces asparagine, which is neutral and polar, with serine, which is neutral and polar, at codon 741 of the FBN1 protein (p.Asn741Ser). This variant is not present in population databases (gnomAD no frequency).

Literature cited by the submitters: PubMed 29357934.

NM_000138.5(FBN1):c.2222A>G (p.Asn741Ser)

Gene: FBN1 (fibrillin 1; minus strand). Cytogenetic location: 15q21.1.
Variant type: single nucleotide variant.
Coding change: c.2222A>G on transcript NM_000138.5 (MANE Select); coding-DNA position 2222, A replaced by G.
Protein change: p.Asn741Ser; replaces asparagine 741 with serine.
Molecular consequence: missense variant.
Genome position (GRCh38, 1-based): chr15:48,497,337, T>C on the plus strand (A>G on the coding strand, the complement: FBN1 is on the minus strand). VCF-style: chr15-48497337-T-C. GRCh37 (hg19) VCF-style: chr15-48789534-T-C.
Other names: c.2222A>G, p.Asn741Ser (NM_001406716.1); short protein forms N741S.
Identifiers: ClinVar variation 2152241 (VCV002152241.4), dbSNP rs2505576295, ClinGen allele CA392335733.